The following is an entry in ClinVar:

ClinVar aggregate classification (germline): Uncertain significance (1 of 4 stars; one submission).

Conditions:
Early-onset Lafora body disease. Also called: Epilepsy, progressive myoclonic, 10. Identifiers: Orphanet 324290, MedGen C4225258, MONDO:0014717, OMIM 616640.

Allele frequency attached by ClinVar (database versions not stated): gnomAD 0.00001; ExAC 0.00002; gnomAD exomes 0.00002 and 0.00005; TOPMed 0.00004.
gnomAD v4.1: 12 of 1,614,006 alleles (0.00074%); highest among the groups gnomAD compares: Admixed American, 0.017%; no homozygotes.

Submission:

Labcorp Genetics (formerly Invitae), Labcorp
Classification: Uncertain significance for Early-onset Lafora body disease. Last evaluated: 2026-01-19. Review status: criteria provided, single submitter. Criteria: Invitae Variant Classification Sherloc (09022015). Collection method: clinical testing. Allele origin: germline.
Comment: This sequence change replaces threonine, which is neutral and polar, with isoleucine, which is neutral and non-polar, at codon 135 of the PRDM8 protein (p.Thr135Ile). This variant is present in population databases (rs746198786, gnomAD 0.03%). This variant has not been reported in the literature in individuals affected with PRDM8-related conditions. ClinVar contains an entry for this variant (Variation ID: 942442). Invitae Evidence Modeling of protein sequence and biophysical properties (such as structural, functional, and spatial information, amino acid conservation, physicochemical variation, residue mobility, and thermodynamic stability) indicates that this missense variant is not expected to disrupt PRDM8 protein function with a negative predictive value of 80%. In summary, the available evidence is currently insufficient to determine the role of this variant in disease. Therefore, it has been classified as a Variant of Uncertain Significance.

NM_001099403.2(PRDM8):c.404C>T (p.Thr135Ile)

Genes: PRDM8 (PR/SET domain 8; plus strand), LOC126807094 (CDK7 strongly-dependent group 2 enhancer GRCh37_chr4:81121978-81123177; plus strand). Cytogenetic location: 4q21.21.
Variant type: single nucleotide variant.
Coding change: c.404C>T on transcript NM_001099403.2 (MANE Select); coding-DNA position 404, C replaced by T.
Protein change: p.Thr135Ile; replaces threonine 135 with isoleucine.
Molecular consequence: missense variant.
Genome position (GRCh38, 1-based): chr4:80,201,474, C>T. VCF-style: chr4-80201474-C-T. GRCh37 (hg19) VCF-style: chr4-81122628-C-T.
Other names: c.404C>T, p.Thr135Ile (NM_020226.4); short protein forms T135I.
Identifiers: ClinVar variation 942442 (VCV000942442.8), dbSNP rs746198786, ClinGen allele CA2982200.